The following is an entry in ClinVar:

ClinVar aggregate classification (germline): Uncertain significance. Review status: criteria provided, multiple submitters, no conflicts (2 of 4 stars). 2 submissions from 2 submitters: Uncertain significance (2). Last evaluated 2023-11-10.

Conditions:
Hereditary neuropathy or pain disorder.
Charcot-Marie-Tooth disease type 2A2. Also called: CHARCOT-MARIE-TOOTH DISEASE, AXONAL, TYPE 2A2; CHARCOT-MARIE-TOOTH DISEASE, NEURONAL, TYPE 2A2; HEREDITARY MOTOR AND SENSORY NEUROPATHY IIA2; HMSN IIA2; Charcot-Marie-Tooth Neuropathy Type 2A2; CHARCOT-MARIE-TOOTH DISEASE, AXONAL, AUTOSOMAL DOMINANT, TYPE 2A2A. Identifiers: Orphanet 99947, MedGen C4721887, MONDO:0012231, OMIM 609260.

Submissions (2):

Cambridge Genomics Laboratory, East Genomic Laboratory Hub, NHS Genomic Medicine Service
Classification: Uncertain significance for Hereditary neuropathy or pain disorder. Last evaluated: 2023-11-10. Review status: criteria provided, single submitter. Criteria: ACGS Best Practice Guidelines for Variant Classification in Rare Disease 2020. Collection method: clinical testing. Allele origin: germline. Affected: yes.
Comment: The p.Tyr752Asn variant is novel (not in any individuals) in gnomAD All. The p.Tyr752Asn variant is novel (not in any individuals) in 1kG All. The p.Tyr752Asn variant is novel (not in any individuals) in gnomAD Genomes v3 All. (PM2 - Moderate) | There are no benign variants within 3 amino acid positions of the variant p.Tyr752Asn. (PM1 - Moderate) | The p.Tyr752Asn missense variant is predicted to be damaging by both SIFT and PolyPhen2. The nucleotide c.2254 in MFN2 is predicted conserved by GERP++ and PhyloP across 100 vertebrates. (PP3 - Supporting)

MVZ Martinsried, Medicover Genetics
Classification: Uncertain significance for Charcot-Marie-Tooth disease type 2A2. Last evaluated: 2023-11-10. Review status: criteria provided, single submitter. Criteria: ACGS Guidelines, 2020. Collection method: clinical testing. Allele origin: unknown. Affected: yes.

NM_014874.4(MFN2):c.2254T>A (p.Tyr752Asn)

Gene: MFN2 (mitofusin 2; plus strand). Cytogenetic location: 1p36.22.
Variant type: single nucleotide variant.
Coding change: c.2254T>A on transcript NM_014874.4 (MANE Select); coding-DNA position 2254, T replaced by A.
Protein change: p.Tyr752Asn; replaces tyrosine 752 with asparagine.
Molecular consequence: missense variant.
Genome position (GRCh38, 1-based): chr1:12,011,545, T>A. VCF-style: chr1-12011545-T-A. GRCh37 (hg19) VCF-style: chr1-12071602-T-A.
Other names: c.2254T>A, p.Tyr752Asn (NM_001127660.2); short protein forms Y752N.
Identifiers: ClinVar variation 2683912 (VCV002683912.2), dbSNP rs2523134972, ClinGen allele CA338454540.